The following is an entry in ClinVar:

ClinVar aggregate classification (germline): Conflicting classifications of pathogenicity. Review status: criteria provided, conflicting classifications (1 of 4 stars). 4 submissions from 4 submitters: Pathogenic (1); Likely pathogenic (2); Uncertain significance (1). Last evaluated 2025-05-05.

Conditions:
Inborn genetic diseases. Identifiers: MedGen C0950123, MeSH D030342.
Hypermethioninemia with deficiency of S-adenosylhomocysteine hydrolase. Identifiers: Orphanet 88618, MedGen C3151058, MONDO:0013404, OMIM 613752.

Allele frequency attached by ClinVar (database versions not stated): gnomAD 0.00002 and 0.00003; gnomAD exomes 0.00002 and 0.00001; TOPMed 0.00002; ExAC 0.00001.

Submissions (4):

Dasa
Classification: Uncertain significance. Last evaluated: 2025-05-05. Review status: criteria provided, single submitter. Criteria: DASA Assertion Criteria. Collection method: clinical testing. Allele origin: germline.
Comment: NM_000687.4(AHCY):c.293C>T (p.Pro98Leu) is a missense variant that results in the substitution of proline with leucine. This variant has been reported in individuals with AHCY-related disorders (PMID: 25473036). Also, this variant is rare in population databases. Computational prediction algorithms are consistent with a deleterious effect. The currently available literature and clinical evidence are not sufficient to establish a definitive association between this variant and the reported condition. Therefore, this variant is classified as a variant of uncertain significance.

Fulgent Genetics
Classification: Likely pathogenic for Hypermethioninemia with deficiency of S-adenosylhomocysteine hydrolase. Last evaluated: 2024-05-06. Review status: criteria provided, single submitter. Criteria: ACMG Guidelines, 2015. Collection method: clinical testing. Allele origin: germline.

Ambry Genetics
Classification: Likely pathogenic for Inborn genetic diseases. Last evaluated: 2018-06-25. Review status: criteria provided, single submitter. Criteria: Ambry exome assertion method (8-5-2015). Collection method: clinical testing. Allele origin: germline. Affected: yes. Observed: 1 variant allele.

Center for Pediatric Genomic Medicine, Children's Mercy Hospital and Clinics
Classification: Pathogenic. Last evaluated: 2014-05-19. Review status: criteria provided, single submitter. Criteria: ACMG Guidelines, 2015. Collection method: clinical testing. Allele origin: germline.

Literature cited by the submitters: PubMed 25473036 (cited by Dasa).

NM_000687.4(AHCY):c.293C>T (p.Pro98Leu)

Gene: AHCY (adenosylhomocysteinase; minus strand). Cytogenetic location: 20q11.22.
Variant type: single nucleotide variant.
Coding change: c.293C>T on transcript NM_000687.4 (MANE Select); coding-DNA position 293, C replaced by T.
Protein change: p.Pro98Leu; replaces proline 98 with leucine.
Molecular consequence: missense variant.
Genome position (GRCh38, 1-based): chr20:34,294,083, G>A on the plus strand (C>T on the coding strand, the complement: AHCY is on the minus strand). VCF-style: chr20-34294083-G-A. GRCh37 (hg19) VCF-style: chr20-32881889-G-A.
Other names: c.209C>T, p.Pro70Leu (NM_001161766.2, NM_001322084.2, NM_001322085.2); c.299C>T, p.Pro100Leu (NM_001322086.2); c.293C>T, p.Pro98Leu (NM_001362750.2); short protein forms P70L, P100L, P98L.
Identifiers: ClinVar variation 235681 (VCV000235681.8), dbSNP rs757966746, ClinGen allele CA9821059.